The following is an entry in ClinVar:

NM_003560.4(PLA2G6):c.2035-870C>A

Gene: PLA2G6 (phospholipase A2 group VI; minus strand). Cytogenetic location: 22q13.1.
Variant type: single nucleotide variant.
Coding change: c.2035-870C>A on transcript NM_003560.4 (MANE Select); 870 bases into the intron before coding-DNA position 2035, C replaced by A.
Molecular consequence: intron variant.
Genome position (GRCh38, 1-based): chr22:38,114,524, G>T on the plus strand (C>A on the coding strand, the complement: PLA2G6 is on the minus strand). VCF-style: chr22-38114524-G-T. GRCh37 (hg19) VCF-style: chr22-38510531-G-T.
Other names: c.1357-870C>A (NM_001349868.2); c.1873-870C>A (NM_001349866.2, NM_001199562.3, NM_001349865.2 and 1 more transcripts); c.1339-870C>A (NM_001349869.2); c.1501-870C>A (NM_001349867.2); c.2035-870C>A (NM_001349864.2).
Identifiers: ClinVar variation 2653135 (VCV002653135.24), dbSNP rs959244395, ClinGen allele CA2695200118.

ClinVar aggregate classification (germline): Likely benign (1 of 4 stars; one submission).

Submission:

CeGaT Center for Human Genetics Tuebingen
Classification: Likely benign. Last evaluated: 2022-12-01. Review status: criteria provided, single submitter. Criteria: CeGaT Center For Human Genetics Tuebingen Variant Classification Criteria Version 2. Collection method: clinical testing. Allele origin: germline. Affected: yes. Observed: 1 variant allele.
Comment: PLA2G6: PM2:Supporting, BP4, BP7